The following is an entry in ClinVar:

NM_000392.5(ABCC2):c.3690A>C (p.Arg1230Ser)

Gene: ABCC2 (ATP binding cassette subfamily C member 2; plus strand). Cytogenetic location: 10q24.2.
Variant type: single nucleotide variant.
Coding change: c.3690A>C on transcript NM_000392.5 (MANE Select); coding-DNA position 3690, A replaced by C.
Protein change: p.Arg1230Ser; replaces arginine 1230 with serine.
Molecular consequence: missense variant.
Genome position (GRCh38, 1-based): chr10:99,842,042, A>C. VCF-style: chr10-99842042-A-C. GRCh37 (hg19) VCF-style: chr10-101601799-A-C.
Other names: c.3690A>C, p.Arg1230Ser (LRG_1208t1); c.3690A>C (NM_000392.4); short protein forms R1230S.
Identifiers: ClinVar variation 289033 (VCV000289033.6), dbSNP rs753282654, ClinGen allele CA5643912.

ClinVar aggregate classification (germline): Uncertain significance. Review status: criteria provided, single submitter (1 of 4 stars). 2 submissions from 2 submitters: Uncertain significance (1). 1 of the submissions does not count toward it. Last evaluated 2016-06-21.

Conditions:
ABCC2-related disorder. Also called: ABCC2-related condition.

Allele frequency attached by ClinVar (database versions not stated): ExAC 0.00001; gnomAD 0.00002; TOPMed 0.00003; gnomAD exomes 0.00004 and 0.00006.
gnomAD v4.1: 26 of 1,614,054 alleles (0.0016%); highest among the groups gnomAD compares: Admixed American, 0.043%; no homozygotes.

Submissions (2):

Eurofins Ntd Llc (ga)
Classification: Uncertain significance. Last evaluated: 2016-06-21. Review status: criteria provided, single submitter. Criteria: EGL Classification Definitions 2015. Collection method: clinical testing. Allele origin: germline. Observed: 2 variant alleles, 2 heterozygotes.

PreventionGenetics, part of Exact Sciences
Classification: Uncertain significance for ABCC2-related condition. Last evaluated: 2024-06-04. Review status: no assertion criteria provided. Collection method: clinical testing. Allele origin: germline. Not counted in ClinVar's aggregate classification.
Comment: The ABCC2 c.3690A>C variant is predicted to result in the amino acid substitution p.Arg1230Ser. To our knowledge, this variant has not been reported in the literature. This variant is reported in 0.042% of alleles in individuals of Latino descent in gnomAD. At this time, the clinical significance of this variant is uncertain due to the absence of conclusive functional and genetic evidence.